The following is an entry in ClinVar:

NM_006459.4(ERLIN1):c.79A>G (p.Lys27Glu)

Gene: ERLIN1 (ER lipid raft associated 1; minus strand). Cytogenetic location: 10q24.31.
Variant type: single nucleotide variant.
Coding change: c.79A>G on transcript NM_006459.4 (MANE Select); coding-DNA position 79, A replaced by G.
Protein change: p.Lys27Glu; replaces lysine 27 with glutamic acid.
Molecular consequence: missense variant. On other transcripts: 5 prime UTR variant (2), non-coding transcript variant (6).
Genome position (GRCh38, 1-based): chr10:100,185,548, T>C on the plus strand (A>G on the coding strand, the complement: ERLIN1 is on the minus strand). VCF-style: chr10-100185548-T-C. GRCh37 (hg19) VCF-style: chr10-101945305-T-C.
Other names: c.79A>G, p.Lys27Glu (NM_001100626.2, NM_001347857.2, NM_001347859.2 and 2 more transcripts); c.-92A>G (NM_001347856.2); c.-293A>G (NM_001347858.2); short protein forms K27E.
Identifiers: ClinVar variation 655797 (VCV000655797.6), dbSNP rs1199328865, ClinGen allele CA378144246.

ClinVar aggregate classification (germline): Uncertain significance (1 of 4 stars; one submission).

Conditions:
Hereditary spastic paraplegia 62. Also called: Spastic paraplegia 62, autosomal recessive. Identifiers: Orphanet 401785, MedGen C4284588, MONDO:0014302, OMIM 615681.

Allele frequency attached by ClinVar (database versions not stated): gnomAD exomes below 0.00001; TOPMed below 0.00001.
gnomAD v4.1: 8 of 1,613,820 alleles (0.0005%); highest among the groups gnomAD compares: Non-Finnish European, 0.00051%; no homozygotes.

Submission:

Labcorp Genetics (formerly Invitae), Labcorp
Classification: Uncertain significance for Hereditary spastic paraplegia 62. Last evaluated: 2022-07-05. Review status: criteria provided, single submitter. Criteria: Invitae Variant Classification Sherloc (09022015). Collection method: clinical testing. Allele origin: germline.
Comment: This sequence change replaces lysine, which is basic and polar, with glutamic acid, which is acidic and polar, at codon 27 of the ERLIN1 protein (p.Lys27Glu). This variant is not present in population databases (gnomAD no frequency). This variant has not been reported in the literature in individuals affected with ERLIN1-related conditions. ClinVar contains an entry for this variant (Variation ID: 655797). Algorithms developed to predict the effect of missense changes on protein structure and function are either unavailable or do not agree on the potential impact of this missense change (SIFT: "Deleterious"; PolyPhen-2: "Possibly Damaging"; Align-GVGD: "Class C0"). In summary, the available evidence is currently insufficient to determine the role of this variant in disease. Therefore, it has been classified as a Variant of Uncertain Significance.